The following is an entry in ClinVar:

NM_014339.7(IL17RA):c.2273A>G (p.Gln758Arg)

Gene: IL17RA (interleukin 17 receptor A; plus strand). Cytogenetic location: 22q11.1.
Variant type: single nucleotide variant.
Coding change: c.2273A>G on transcript NM_014339.7 (MANE Select); coding-DNA position 2273, A replaced by G.
Protein change: p.Gln758Arg; replaces glutamine 758 with arginine.
Molecular consequence: missense variant.
Genome position (GRCh38, 1-based): chr22:17,109,492, A>G. VCF-style: chr22-17109492-A-G. GRCh37 (hg19) VCF-style: chr22-17590382-A-G.
Other names: c.2171A>G, p.Gln724Arg (NM_001289905.2); short protein forms Q724R, Q758R.
Identifiers: ClinVar variation 2108538 (VCV002108538.4), dbSNP rs2061430914, ClinGen allele CA410221595.

ClinVar aggregate classification (germline): Uncertain significance (1 of 4 stars; one submission).

Conditions:
Immunodeficiency 51 (IMD51). Also called: CANDIDIASIS, FAMILIAL, 5. Identifiers: Orphanet 1334, MedGen C4310803, MONDO:0013500, OMIM 613953.

Submission:

Labcorp Genetics (formerly Invitae), Labcorp
Classification: Uncertain significance for Immunodeficiency 51. Last evaluated: 2025-08-21. Review status: criteria provided, single submitter. Criteria: Invitae Variant Classification Sherloc (09022015). Collection method: clinical testing. Allele origin: germline.
Comment: This sequence change replaces glutamine, which is neutral and polar, with arginine, which is basic and polar, at codon 758 of the IL17RA protein (p.Gln758Arg). This variant is not present in population databases (gnomAD no frequency). This variant has not been reported in the literature in individuals affected with IL17RA-related conditions. ClinVar contains an entry for this variant (Variation ID: 2108538). An algorithm developed to predict the effect of missense changes on protein structure and function (PolyPhen-2) suggests that this variant is likely to be tolerated. In summary, the available evidence is currently insufficient to determine the role of this variant in disease. Therefore, it has been classified as a Variant of Uncertain Significance.